The following is an entry in ClinVar:

NM_000257.4(MYH7):c.667G>A (p.Ala223Thr)

Gene: MYH7 (myosin heavy chain 7; minus strand). Cytogenetic location: 14q11.2.
Variant type: single nucleotide variant.
Coding change: c.667G>A on transcript NM_000257.4 (MANE Select); coding-DNA position 667, G replaced by A.
Protein change: p.Ala223Thr; replaces alanine 223 with threonine.
Molecular consequence: missense variant.
Genome position (GRCh38, 1-based): chr14:23,431,650, C>T on the plus strand (G>A on the coding strand, the complement: MYH7 is on the minus strand). VCF-style: chr14-23431650-C-T. GRCh37 (hg19) VCF-style: chr14-23900859-C-T.
Other names: c.667G>A, p.Ala223Thr (LRG_384t1); short protein forms A223T.
Identifiers: ClinVar variation 14112 (VCV000014112.11), dbSNP rs121913645, ClinGen allele CA016610.
Genomic context (GRCh38, chr14:23,431,650, plus strand): 5'-GGGAGGAGTTGTCGTTCCGGACGGTCTTGGCATTGCCAAAGGCCTCCAGAGCAGGGTTGG[C>T]CTGGATGATCTGGTCCTCCAGGGTGCCCTGCAGAGGCCAAGAAGGAGGCAGGTGAGAGCT-3'
Protein context (NP_000248.2, residues 213-233): KGTLEDQIIQ[Ala223Thr]NPALEAFGNA

ClinVar aggregate classification (germline): Uncertain significance. Review status: criteria provided, multiple submitters, no conflicts (2 of 4 stars). 3 submissions from 3 submitters: Uncertain significance (2). 1 of the submissions does not count toward it. Last evaluated 2025-05-21.

Conditions:
Dilated cardiomyopathy 1S (CMD1S). Identifiers: Orphanet 154, Orphanet 54260, MedGen C1834481, MONDO:0013262, OMIM 613426.
Hypertrophic cardiomyopathy. Also called: HYPERTROPHIC MYOCARDIOPATHY. Identifiers: Orphanet 217569, MedGen C0007194, MeSH D002312, MONDO:0005045, HP:0001639.

Allele frequency attached by ClinVar (database versions not stated): gnomAD exomes below 0.00001.
gnomAD v4.1: 1 of 1,614,214 alleles (0.000062%); highest among the groups gnomAD compares: Non-Finnish European, 0.000085%; no homozygotes.

Submissions (3):

Labcorp Genetics (formerly Invitae), Labcorp
Classification: Uncertain significance for Hypertrophic cardiomyopathy. Last evaluated: 2025-05-21. Review status: criteria provided, single submitter. Criteria: Invitae Variant Classification Sherloc (09022015). Collection method: clinical testing. Allele origin: germline.
Comment: This sequence change replaces alanine, which is neutral and non-polar, with threonine, which is neutral and polar, at codon 223 of the MYH7 protein (p.Ala223Thr). This variant is present in population databases (rs121913645, gnomAD 0.0009%). This missense change has been observed in individual(s) with dilated cardiomyopathy (PMID: 12379228). ClinVar contains an entry for this variant (Variation ID: 14112). Invitae Evidence Modeling of protein sequence and biophysical properties (such as structural, functional, and spatial information, amino acid conservation, physicochemical variation, residue mobility, and thermodynamic stability) indicates that this missense variant is expected to disrupt MYH7 protein function with a positive predictive value of 95%. In summary, the available evidence is currently insufficient to determine the role of this variant in disease. Therefore, it has been classified as a Variant of Uncertain Significance.

Blueprint Genetics
Classification: Uncertain significance. Last evaluated: 2023-11-08. Review status: criteria provided, single submitter. Criteria: ACMG Guidelines, 2015. Collection method: clinical testing. Allele origin: germline.

OMIM
Classification: Pathogenic for CARDIOMYOPATHY, DILATED, 1S. Last evaluated: 2002-10-18. Review status: no assertion criteria provided. Collection method: literature only. Allele origin: germline. Not counted in ClinVar's aggregate classification.

Literature cited by the submitters: PubMed 12379228 (cited by Labcorp Genetics (formerly Invitae), Labcorp and OMIM).